The following is an entry in ClinVar:

NM_152424.4(AMER1):c.1052C>T (p.Ala351Val)

Gene: AMER1 (APC membrane recruitment protein 1; minus strand). Cytogenetic location: Xq11.2.
Variant type: single nucleotide variant.
Coding change: c.1052C>T on transcript NM_152424.4 (MANE Select); coding-DNA position 1052, C replaced by T.
Protein change: p.Ala351Val; replaces alanine 351 with valine.
Molecular consequence: missense variant.
Genome position (GRCh38, 1-based): chrX:64,192,235, G>A on the plus strand (C>T on the coding strand, the complement: AMER1 is on the minus strand). VCF-style: chrX-64192235-G-A. GRCh37 (hg19) VCF-style: chrX-63412115-G-A.
Other names: short protein forms A351V.
Identifiers: ClinVar variation 2762852 (VCV002762852.3), dbSNP rs2147089151, ClinGen allele CA413308598.
Genomic context (GRCh38, chrX:64,192,235, plus strand): 5'-TCCTCCCCACCTCCTTGGTAGGTCACCAGGCAGGAACTTCGCTTGGTCCCATCTCGGTTT[G>A]CTCTCTGGCCCCCAGAGGCCATGCTGTCTGTCATACTGTCCATGTCCTGTTCTGCTATTA-3'
Protein context (NP_689637.3, residues 341-361): TDSMASGGQR[Ala351Val]NRDGTKRSSC

ClinVar aggregate classification (germline): Uncertain significance (1 of 4 stars; one submission).

Submission:

Labcorp Genetics (formerly Invitae), Labcorp
Classification: Uncertain significance. Last evaluated: 2024-10-23. Review status: criteria provided, single submitter. Criteria: Invitae Variant Classification Sherloc (09022015). Collection method: clinical testing. Allele origin: germline.
Comment: This sequence change replaces alanine, which is neutral and non-polar, with valine, which is neutral and non-polar, at codon 351 of the AMER1 protein (p.Ala351Val). This variant is not present in population databases (gnomAD no frequency). This variant has not been reported in the literature in individuals affected with AMER1-related conditions. An algorithm developed to predict the effect of missense changes on protein structure and function (PolyPhen-2) suggests that this variant is likely to be disruptive. In summary, the available evidence is currently insufficient to determine the role of this variant in disease. Therefore, it has been classified as a Variant of Uncertain Significance.